The following is an entry in ClinVar:

ClinVar aggregate classification (germline): Conflicting classifications of pathogenicity. Review status: criteria provided, conflicting classifications (1 of 4 stars). 7 submissions from 7 submitters: Uncertain significance (1); Benign (1); Likely benign (4). 1 of the submissions does not count toward it. Last evaluated 2026-07-01.

Conditions:
Inborn genetic diseases. Identifiers: MedGen C0950123, MeSH D030342.
Niemann-Pick disease, type C1. Also called: NEUROVISCERAL STORAGE DISEASE WITH VERTICAL SUPRANUCLEAR OPHTHALMOPLEGIA; NIEMANN-PICK DISEASE WITH CHOLESTEROL ESTERIFICATION BLOCK; NIEMANN-PICK DISEASE WITHOUT SPHINGOMYELINASE DEFICIENCY; NIEMANN-PICK DISEASE, CHRONIC NEURONOPATHIC FORM; NIEMANN-PICK DISEASE, VARIANT TYPE C1. Identifiers: Orphanet 646, MedGen C3179455, MONDO:0009757, OMIM 257220.
Niemann-Pick disease, type C2 (NPC2). Identifiers: Orphanet 646, MedGen C1843366, MONDO:0011873, OMIM 607625.

Allele frequency attached by ClinVar (database versions not stated): ESP Exome Variant Server 0.00008; TOPMed 0.00017; gnomAD exomes 0.00022 and 0.00062; gnomAD 0.00031 and 0.00034; ExAC 0.00044; 1000 Genomes Project 30x 0.00094; 1000 Genomes Project 0.00120.
gnomAD v4.1: 371 of 1,614,084 alleles (0.023%); highest among the groups gnomAD compares: East Asian, 0.25%; 1 homozygote.

Submissions (7):

CeGaT Center for Human Genetics Tuebingen
Classification: Likely benign. Last evaluated: 2026-07-01. Review status: criteria provided, single submitter. Criteria: CeGaT Center For Human Genetics Tuebingen Variant Classification Criteria Version 2. Collection method: clinical testing. Allele origin: germline. Affected: yes. Observed: 3 variant alleles.
Comment: NPC2: BP4, BP7

Labcorp Genetics (formerly Invitae), Labcorp
Classification: Benign for Niemann-Pick disease, type C2. Last evaluated: 2026-01-20. Review status: criteria provided, single submitter. Criteria: Invitae Variant Classification Sherloc (09022015). Collection method: clinical testing. Allele origin: germline.

Mayo Clinic Laboratories, Mayo Clinic
Classification: Likely benign. Last evaluated: 2025-04-02. Review status: criteria provided, single submitter. Criteria: ACMG Guidelines, 2015. Collection method: clinical testing. Allele origin: germline. Observed: 1 variant allele.
Comment: BS1, BP4, BP7

Blueprint Genetics
Classification: Likely benign. Last evaluated: 2024-11-14. Review status: criteria provided, single submitter. Criteria: ACMG Guidelines, 2015. Collection method: clinical testing. Allele origin: germline.

Ambry Genetics
Classification: Likely benign for Inborn genetic diseases. Last evaluated: 2023-04-25. Review status: criteria provided, single submitter. Criteria: Ambry Variant Classification Scheme 2023. Collection method: clinical testing. Allele origin: germline.

Illumina Laboratory Services, Illumina
Classification: Uncertain significance for Niemann-Pick disease type C1. Last evaluated: 2018-01-13. Review status: criteria provided, single submitter. Criteria: ICSL Variant Classification Criteria 13 December 2019. Collection method: clinical testing. Allele origin: germline.

Natera, Inc.
Classification: Likely benign for Niemann-Pick disease type C2. Last evaluated: 2020-04-18. Review status: no assertion criteria provided. Collection method: clinical testing. Allele origin: germline. Not counted in ClinVar's aggregate classification.

NM_006432.5(NPC2):c.273T>C (p.Asp91=)

Gene: NPC2 (NPC intracellular cholesterol transporter 2; minus strand). Cytogenetic location: 14q24.3.
Variant type: single nucleotide variant.
Coding change: c.273T>C on transcript NM_006432.5 (MANE Select); coding-DNA position 273, T replaced by C.
Protein change: p.Asp91=; no amino-acid change (aspartic acid 91 retained).
Molecular consequence: synonymous variant.
Genome position (GRCh38, 1-based): chr14:74,484,505, A>G on the plus strand (T>C on the coding strand, the complement: NPC2 is on the minus strand). VCF-style: chr14-74484505-A-G. GRCh37 (hg19) VCF-style: chr14-74951208-A-G.
Other names: p.Asp91=; c.273T>C, p.Asp91= (NM_001363688.1, NM_001375440.1).
Identifiers: ClinVar variation 715373 (VCV000715373.53), dbSNP rs151071820, ClinGen allele CA7268154.
Genomic context (GRCh38, chr14:74,484,505, plus strand): 5'-ATTCAGGTAGCTATAGGTCTTGTCTTTTTGGATAGGGCAGTTAATTCCACTCTTACAACC[A>G]TCAGGCTCAGGAATGGGAAAGGGAACTGGGACGCCCATCAGGATGCCATGCACCACGGCC-3'
Protein context (NP_006423.1, residues 81-101): VPVPFPIPEP[Asp91=]GCKSGINCPI